The following is an entry in ClinVar:

ClinVar aggregate classification (germline): Pathogenic (1 of 4 stars; one submission).

Submission:

GeneDx
Classification: Pathogenic. Last evaluated: 2019-01-30. Review status: criteria provided, single submitter. Criteria: GeneDx Variant Classification (06012015). Collection method: clinical testing. Allele origin: germline. Affected: yes.
Comment: The c.49_62del14 variant in the PCDH19 gene has not been reported previously as a pathogenic variant nor as a benign variant, to our knowledge. The c.49_62del14 variant causes a frameshift starting with codon Threonine 17, changes this amino acid to a Proline residue, and creates a premature Stop codon at position 3 of the new reading frame, denoted p.Thr17ProfsX3. This variant is predicted to cause loss of normal protein function either through protein truncation or nonsense-mediated mRNA decay. The c.49_62del14 variant is not observed in large population cohorts (Lek et al., 2016). We interpret c.49_62del14 as a pathogenic variant.

NM_001184880.2(PCDH19):c.49_62del (p.Thr17fs)

Gene: PCDH19 (protocadherin 19; minus strand). Cytogenetic location: Xq22.1.
Variant type: Deletion.
Coding change: c.49_62del on transcript NM_001184880.2 (MANE Select); coding-DNA positions 49 to 62, 14 bases deleted (ACGCAGGCTGCCGC).
Protein change: p.Thr17fs; shifts the reading frame from threonine 17.
Molecular consequence: frameshift variant.
Genome position (GRCh38, 1-based): chrX:100,408,536-100,408,549, GCGGCAGCCTGCGT deleted on the plus strand (ACGCAGGCTGCCGC on the coding strand, the reverse complement: PCDH19 is on the minus strand). VCF-style (leftmost placement, unchanged base first): chrX-100408535-GGCGGCAGCCTGCGT-G. GRCh37 (hg19) VCF-style: chrX-99663533-GGCGGCAGCCTGCGT-G.
Other names: c.49_62del, p.Thr17fs (NM_001105243.2, NM_020766.3); short protein forms T17fs.
Identifiers: ClinVar variation 817864 (VCV000817864.1), dbSNP rs1602638594, ClinGen allele CA915951280.